The following is an entry in ClinVar:

NM_003921.5(BCL10):c.36C>A (p.Asp12Glu)

Genes: BCL10 (BCL10 immune signaling adaptor; minus strand), LOC126805771 (CDK7 strongly-dependent group 2 enhancer GRCh37_chr1:85741508-85742707; plus strand). Cytogenetic location: 1p22.3.
Variant type: single nucleotide variant.
Coding change: c.36C>A on transcript NM_003921.5 (MANE Select); coding-DNA position 36, C replaced by A.
Protein change: p.Asp12Glu; replaces aspartic acid 12 with glutamic acid.
Molecular consequence: missense variant.
Genome position (GRCh38, 1-based): chr1:85,276,317, G>T on the plus strand (C>A on the coding strand, the complement: BCL10 is on the minus strand). VCF-style: chr1-85276317-G-T. GRCh37 (hg19) VCF-style: chr1-85742000-G-T.
Other names: c.36C>A, p.Asp12Glu (NM_001320715.2); short protein forms D12E.
Identifiers: ClinVar variation 4753360 (VCV004753360.1).

ClinVar aggregate classification (germline): Uncertain significance (1 of 4 stars; one submission).

Conditions:
Immunodeficiency 37 (IMD37). Identifiers: MedGen C4015195, MONDO:0014491, OMIM 616098.

gnomAD v4.1: 5 of 1,613,442 alleles (0.00031%); highest among the groups gnomAD compares: Non-Finnish European, 0.00042%; no homozygotes.

Submission:

Labcorp Genetics (formerly Invitae), Labcorp
Classification: Uncertain significance for Immunodeficiency 37. Last evaluated: 2025-04-14. Review status: criteria provided, single submitter. Criteria: Invitae Variant Classification Sherloc (09022015). Collection method: clinical testing. Allele origin: germline.
Comment: This sequence change replaces aspartic acid, which is acidic and polar, with glutamic acid, which is acidic and polar, at codon 12 of the BCL10 protein (p.Asp12Glu). This variant is present in population databases (no rsID available, gnomAD 0.0009%). This variant has not been reported in the literature in individuals affected with BCL10-related conditions. An algorithm developed to predict the effect of missense changes on protein structure and function (PolyPhen-2) suggests that this variant is likely to be tolerated. In summary, the available evidence is currently insufficient to determine the role of this variant in disease. Therefore, it has been classified as a Variant of Uncertain Significance.